The following is an entry in ClinVar:

NM_001173991.3(TMEM216):c.-69G>T

Gene: TMEM216 (transmembrane protein 216; plus strand). Cytogenetic location: 11q12.2.
Variant type: single nucleotide variant.
Coding change: c.-69G>T on transcript NM_001173991.3; 69 bases upstream of the start codon, G replaced by T.
Genome position (GRCh38, 1-based): chr11:61,392,563, G>T. VCF-style: chr11-61392563-G-T. GRCh37 (hg19) VCF-style: chr11-61160035-G-T.
Other names: c.-69G>T (NM_001173990.3).
Identifiers: ClinVar variation 3370281 (VCV003370281.5).

ClinVar aggregate classification (germline): Pathogenic. Review status: criteria provided, multiple submitters, no conflicts (2 of 4 stars). 5 submissions from 5 submitters: Pathogenic (4). 1 of the submissions does not count toward it. Last evaluated 2025-11-11.

Conditions:
Retinitis pigmentosa 98. Identifiers: MedGen C5975495, MONDO:0975840, OMIM 620996.
Joubert syndrome and related disorders. Identifiers: Orphanet 140874, MedGen C5679612, MONDO:0015369.
Retinal disorder. Also called: Retinopathies; Retinal Diseases; Retinal disorders; Retinopathy. Identifiers: MedGen C0035309, MONDO:0005283, HP:0000488.

Submissions (5):

Women's Health and Genetics/Laboratory Corporation of America, LabCorp
Classification: Pathogenic for Joubert syndrome and related disorders. Last evaluated: 2025-11-11. Review status: criteria provided, single submitter. Criteria: LabCorp Variant Classification Summary - May 2015. Collection method: clinical testing. Allele origin: germline.
Comment: Variant summary: TMEM216 c.-69G>T is located in the untranscribed region upstream of the TMEM216 gene region. The variant was absent in 133722 control chromosomes. c.-69G>T has been observed as a founder variant by comprehensive sequencing (WGS) in multiple individuals affected with Joubert Syndrome And Related Disorders, specifically Retinitis Pigmentosa (RP) and no evident systemic features of a ciliopathy (example, Malka_2024). These data indicate that the variant is very likely to be associated with disease. At least one publication reports experimental evidence evaluating an impact on protein function. The most pronounced variant effect results in reduced expression of TMEM216 in leukocytes (Malka_2024). The following publication have been ascertained in the context of this evaluation (PMID: 39191256). ClinVar contains an entry for this variant (Variation ID: 3370281). Based on the evidence outlined above, the variant was classified as pathogenic.

Genetics Laboratory, Great Ormond Street Hospital NHS Foundation Trust, North Thames Genomic Laboratory Hub
Classification: Pathogenic for Retinal disorders. Last evaluated: 2025-10-20. Review status: criteria provided, single submitter. Criteria: ACGS Best Practice Guidelines for Variant Classification in Rare Disease 2024 v1.2. Collection method: clinical testing. Allele origin: germline. Affected: yes.
Comment: PVS1_strong, PP1_strong, PM3_strong

GeneDx
Classification: Pathogenic. Last evaluated: 2025-07-27. Review status: criteria provided, single submitter. Criteria: GeneDx Variant Classification Process June 2021. Collection method: clinical testing. Allele origin: germline. Affected: yes.
Comment: Published functional studies suggest this variant results in reduced but not abrogated gene expression (PMID: 39191256); Located in a regulatory region; This variant is associated with the following publications: (PMID: Berry2024[Abstract], Malka2024[Abstract], 39191256, Goyal2025[Abstract], Zein2025[Abstract])

Revvity Omics, Revvity
Classification: Pathogenic. Last evaluated: 2024-10-24. Review status: criteria provided, single submitter. Criteria: ACMG Guidelines, 2015. Collection method: clinical testing. Allele origin: germline.

OMIM
Classification: Pathogenic for RETINITIS PIGMENTOSA 98. Last evaluated: 2024-10-29. Review status: no assertion criteria provided. Collection method: literature only. Allele origin: germline. Not counted in ClinVar's aggregate classification.

Literature cited by the submitters: PubMed 39191256 (cited by Women's Health and Genetics/Laboratory Corporation of America, LabCorp and OMIM).